The following is an entry in ClinVar:

ClinVar aggregate classification (germline): Uncertain significance. Review status: criteria provided, multiple submitters, no conflicts (2 of 4 stars). 2 submissions from 2 submitters: Uncertain significance (2). Last evaluated 2023-05-31.

Conditions:
Inborn genetic diseases. Identifiers: MedGen C0950123, MeSH D030342.

Allele frequency attached by ClinVar (database versions not stated): ExAC 0.00004; ESP Exome Variant Server 0.00008.
gnomAD v4.1: 59 of 1,556,650 alleles (0.0038%); highest among the groups gnomAD compares: Non-Finnish European, 0.0046%; no homozygotes.

Submissions (3):

Ambry Genetics
Classification: Uncertain significance for Inborn genetic diseases. Last evaluated: 2023-05-31. Review status: criteria provided, single submitter. Criteria: Ambry Variant Classification Scheme 2023. Collection method: clinical testing. Allele origin: germline.

Labcorp Genetics (formerly Invitae), Labcorp
Classification: Uncertain significance. Last evaluated: 2022-05-29. Review status: criteria provided, single submitter. Criteria: Invitae Variant Classification Sherloc (09022015). Collection method: clinical testing. Allele origin: germline.
Comment: This sequence change replaces arginine, which is basic and polar, with glutamine, which is neutral and polar, at codon 647 of the PLOD3 protein (p.Arg647Gln). The frequency data for this variant in the population databases is considered unreliable, as metrics indicate poor data quality at this position in the gnomAD database. This variant has not been reported in the literature in individuals affected with PLOD3-related conditions. Algorithms developed to predict the effect of missense changes on protein structure and function (SIFT, PolyPhen-2, Align-GVGD) all suggest that this variant is likely to be tolerated. Algorithms developed to predict the effect of sequence changes on RNA splicing suggest that this variant may create or strengthen a splice site. In summary, the available evidence is currently insufficient to determine the role of this variant in disease. Therefore, it has been classified as a Variant of Uncertain Significance.

Dr. Peter K. Rogan Lab, Western University
No classification provided (evidence only). Condition: Cervical cancer. Review status: no classification provided. Collection method: in vitro. Allele origin: not applicable. Functional consequence: skipped exon. Not counted in ClinVar's aggregate classification.

NM_001084.5(PLOD3):c.1940G>A (p.Arg647Gln)

Gene: PLOD3 (procollagen-lysine,2-oxoglutarate 5-dioxygenase 3; minus strand). Cytogenetic location: 7q22.1.
Variant type: single nucleotide variant.
Coding change: c.1940G>A on transcript NM_001084.5 (MANE Select); coding-DNA position 1940, G replaced by A.
Protein change: p.Arg647Gln; replaces arginine 647 with glutamine.
Molecular consequence: missense variant.
Genome position (GRCh38, 1-based): chr7:101,206,900, C>T on the plus strand (G>A on the coding strand, the complement: PLOD3 is on the minus strand). VCF-style: chr7-101206900-C-T. GRCh37 (hg19) VCF-style: chr7-100850181-C-T.
Other names: c.1940G>A (NM_001084.4); short protein forms R647Q.
Identifiers: ClinVar variation 2175352 (VCV002175352.4), dbSNP rs376302927, ClinGen allele CA4407444.